The following is an entry in ClinVar:

NM_004168.4(SDHA):c.1839A>G (p.Gln613=)

Gene: SDHA (succinate dehydrogenase complex flavoprotein subunit A; plus strand). Cytogenetic location: 5p15.33.
Variant type: single nucleotide variant.
Coding change: c.1839A>G on transcript NM_004168.4 (MANE Select); coding-DNA position 1839, A replaced by G.
Protein change: p.Gln613=; no amino-acid change (glutamine 613 retained).
Molecular consequence: synonymous variant.
Genome position (GRCh38, 1-based): chr5:254,437, A>G. VCF-style: chr5-254437-A-G. GRCh37 (hg19) VCF-style: chr5-254552-A-G.
Other names: c.1695A>G, p.Gln565= (NM_001294332.2); c.1596A>G, p.Gln532= (NM_001330758.2).
Identifiers: ClinVar variation 1781092 (VCV001781092.3), dbSNP rs1579445076, ClinGen allele CA359001881.
Genomic context (GRCh38, chr5:254,437, plus strand): 5'-GTGTTTCTGGCCTCAGGTGCGGATTGATGAGTACGATTACTCCAAGCCCATCCAGGGGCA[A>G]CAGAAGAAGCCCTTTGAGGAGCACTGGAGGAAGCACACCCTGTCCTATGTGGACGTTGGC-3'
Protein context (NP_004159.2, residues 603-623): EYDYSKPIQG[Gln613=]QKKPFEEHWR

ClinVar aggregate classification (germline): Benign/Likely benign. Review status: criteria provided, multiple submitters, no conflicts (2 of 4 stars). 2 submissions from 2 submitters: Benign (1); Likely benign (1). Last evaluated 2025-03-11.

Conditions:
Pheochromocytoma/paraganglioma syndrome 5. Also called: Paragangliomas 5; SDHA-Related Hereditary Paraganglioma-Pheochromocytoma Syndrome. Identifiers: Orphanet 29072, MedGen C3279992, MONDO:0013602, OMIM 614165.
Hereditary cancer-predisposing syndrome. Also called: Tumor predisposition; Hereditary Cancer Syndrome; Hereditary neoplastic syndrome; Neoplastic Syndromes, Hereditary. Identifiers: Orphanet 140162, MedGen C0027672, MeSH D009386, MONDO:0015356.

Submissions (2):

Myriad Genetics, Inc.
Classification: Benign for Pheochromocytoma/paraganglioma syndrome 5. Last evaluated: 2025-03-11. Review status: criteria provided, single submitter. Criteria: Myriad Autosomal Dominant, Autosomal Recessive and X-Linked Classification Criteria (2023). Collection method: clinical testing. Allele origin: unknown.
Comment: This variant is considered benign. This variant is a silent/synonymous amino acid change and it is not expected to impact splicing.

Ambry Genetics
Classification: Likely benign for Hereditary cancer-predisposing syndrome. Last evaluated: 2021-02-24. Review status: criteria provided, single submitter. Criteria: Ambry Variant Classification Scheme 2023. Collection method: clinical testing. Allele origin: germline.